The following is an entry in ClinVar:

NM_002485.5(NBN):c.847C>T (p.Pro283Ser)

Gene: NBN (nibrin; minus strand). Cytogenetic location: 8q21.3.
Variant type: single nucleotide variant.
Coding change: c.847C>T on transcript NM_002485.5 (MANE Select); coding-DNA position 847, C replaced by T.
Protein change: p.Pro283Ser; replaces proline 283 with serine.
Molecular consequence: missense variant.
Genome position (GRCh38, 1-based): chr8:89,970,413, G>A on the plus strand (C>T on the coding strand, the complement: NBN is on the minus strand). VCF-style: chr8-89970413-G-A. GRCh37 (hg19) VCF-style: chr8-90982641-G-A.
Other names: c.601C>T, p.Pro201Ser (NM_001024688.3); short protein forms P201S, P283S.
Identifiers: ClinVar variation 953831 (VCV000953831.16), dbSNP rs1811453358, ClinGen allele CA371658436.

ClinVar aggregate classification (germline): Uncertain significance. Review status: criteria provided, multiple submitters, no conflicts (2 of 4 stars). 3 submissions from 3 submitters: Uncertain significance (2). 1 of the submissions does not count toward it. Last evaluated 2022-08-01.

Conditions:
Microcephaly, normal intelligence and immunodeficiency (NBS). Also called: IMMUNODEFICIENCY, MICROCEPHALY, AND CHROMOSOMAL INSTABILITY; Ataxia telangiectasia variant V1; SEEMANOVA SYNDROME II; BERLIN BREAKAGE SYNDROME; Nijmegen breakage syndrome; Microcephaly with normal intelligence immunodeficiency and lymphoreticular malignancies. Identifiers: Orphanet 647, MedGen C0398791, MONDO:0009623, OMIM 251260.
Hereditary cancer-predisposing syndrome. Also called: Hereditary neoplastic syndrome; Tumor predisposition; Neoplastic Syndromes, Hereditary; Hereditary Cancer Syndrome. Identifiers: Orphanet 140162, MedGen C0027672, MeSH D009386, MONDO:0015356.

Allele frequency attached by ClinVar (database versions not stated): gnomAD exomes 0.00001.
gnomAD v4.1: 3 of 1,613,898 alleles (0.00019%); highest among the groups gnomAD compares: East Asian, 0.0067%; no homozygotes.

Submissions (3):

Ambry Genetics
Classification: Uncertain significance for Hereditary cancer-predisposing syndrome. Last evaluated: 2022-08-01. Review status: criteria provided, single submitter. Criteria: Ambry Variant Classification Scheme 2023. Collection method: clinical testing. Allele origin: germline.
Comment: The p.P283S variant (also known as c.847C>T), located in coding exon 7 of the NBN gene, results from a C to T substitution at nucleotide position 847. The proline at codon 283 is replaced by serine, an amino acid with similar properties. This amino acid position is not well conserved in available vertebrate species, and serine is the reference amino acid in other vertebrate species. In addition, this alteration is predicted to be tolerated by in silico analysis. Since supporting evidence is limited at this time, the clinical significance of this alteration remains unclear.

Labcorp Genetics (formerly Invitae), Labcorp
Classification: Uncertain significance for Microcephaly, normal intelligence and immunodeficiency. Last evaluated: 2022-03-17. Review status: criteria provided, single submitter. Criteria: Invitae Variant Classification Sherloc (09022015). Collection method: clinical testing. Allele origin: germline.
Comment: This sequence change replaces proline, which is neutral and non-polar, with serine, which is neutral and polar, at codon 283 of the NBN protein (p.Pro283Ser). This variant is not present in population databases (gnomAD no frequency). This missense change has been observed in individual(s) with breast cancer (PMID: 30287823). ClinVar contains an entry for this variant (Variation ID: 953831). Algorithms developed to predict the effect of missense changes on protein structure and function output the following: SIFT: "Tolerated"; PolyPhen-2: "Benign"; Align-GVGD: "Class C0". The serine amino acid residue is found in multiple mammalian species, which suggests that this missense change does not adversely affect protein function. In summary, the available evidence is currently insufficient to determine the role of this variant in disease. Therefore, it has been classified as a Variant of Uncertain Significance.

Natera, Inc.
Classification: Uncertain significance for Nijmegen breakage syndrome. Last evaluated: 2020-07-23. Review status: no assertion criteria provided. Collection method: clinical testing. Allele origin: germline. Not counted in ClinVar's aggregate classification.

Literature cited by the submitters: PubMed 30287823 (cited by Labcorp Genetics (formerly Invitae), Labcorp).